The following is an entry in ClinVar:

NM_000321.3(RB1):c.1060C>T (p.Gln354Ter)

Gene: RB1 (RB transcriptional corepressor 1; plus strand). Cytogenetic location: 13q14.2.
Variant type: single nucleotide variant.
Coding change: c.1060C>T on transcript NM_000321.3 (MANE Select); coding-DNA position 1060, C replaced by T.
Protein change: p.Gln354Ter; replaces glutamine 354 with a stop codon.
Molecular consequence: nonsense.
Genome position (GRCh38, 1-based): chr13:48,368,537, C>T. VCF-style: chr13-48368537-C-T. GRCh37 (hg19) VCF-style: chr13-48942673-C-T.
Other names: c.1060C>T, p.Gln354Ter (NM_001407165.1, NM_001407166.1); short protein forms Q354*.
Identifiers: ClinVar variation 4759382 (VCV004759382.1), dbSNP rs764547244.

ClinVar aggregate classification (germline): Pathogenic (1 of 4 stars; one submission).

Conditions:
Hereditary retinoblastoma. Identifiers: Orphanet 357027, MedGen C0751483, MONDO:0018160.

Submission:

Ramesar Group, Division of Human Genetics, Institute of Infectious Diseases and Molecular Medicine, UCT/MRC Genomic and Precision Medicine Research Unit, University of Cape Town
Classification: Pathogenic for Hereditary retinoblastoma. Last evaluated: 2025-09-17. Review status: criteria provided, single submitter. Criteria: ACMG Guidelines, 2015. Collection method: research. Allele origin: germline. Affected: yes. Observed: 1 variant allele.
Comment: PVS1: Null variant (nonsense) in a gene (RB1) where LOF is a known mechanism of disease PM2: Absent from gnomAD and ExAC PP4: Patient presents with bilateral retinoblastoma PP5: Reported as pathogenic in the LOVD